The following is an entry in ClinVar:

ClinVar aggregate classification (germline): Likely benign (1 of 4 stars; one submission).

gnomAD v4.1: 3 of 1,613,990 alleles (0.00019%); highest among the groups gnomAD compares: Admixed American, 0.0033%; no homozygotes.

Submission:

CeGaT Center for Human Genetics Tuebingen
Classification: Likely benign. Last evaluated: 2026-01-01. Review status: criteria provided, single submitter. Criteria: CeGaT Center For Human Genetics Tuebingen Variant Classification Criteria Version 2. Collection method: clinical testing. Allele origin: germline. Affected: yes. Observed: 1 variant allele.
Comment: FLG: BP4, BP7

NM_002016.2(FLG):c.6645T>G (p.Ser2215=)

Genes: CCDST (cervical cancer associated DHX9 suppressive transcript; plus strand), FLG (filaggrin; minus strand). Cytogenetic location: 1q21.3.
Variant type: single nucleotide variant.
Coding change: c.6645T>G on transcript NM_002016.2 (MANE Select); coding-DNA position 6645, T replaced by G.
Protein change: p.Ser2215=; no amino-acid change (serine 2215 retained).
Molecular consequence: synonymous variant.
Genome position (GRCh38, 1-based): chr1:152,308,241, A>C on the plus strand (T>G on the coding strand, the complement: FLG is on the minus strand). VCF-style: chr1-152308241-A-C. GRCh37 (hg19) VCF-style: chr1-152280717-A-C.
Identifiers: ClinVar variation 4823084 (VCV004823084.4).